The following is an entry in ClinVar:

NM_001166108.2(PALLD):c.3029A>G (p.Asn1010Ser)

Genes: CBR4 (carbonyl reductase 4; minus strand), PALLD (palladin, cytoskeletal associated protein; plus strand). Cytogenetic location: 4q32.3.
Variant type: single nucleotide variant.
Coding change: c.3029A>G on transcript NM_001166108.2 (MANE Select); coding-DNA position 3029, A replaced by G.
Protein change: p.Asn1010Ser; replaces asparagine 1010 with serine.
Molecular consequence: missense variant.
Genome position (GRCh38, 1-based): chr4:168,921,712, A>G. VCF-style: chr4-168921712-A-G. GRCh37 (hg19) VCF-style: chr4-169842863-A-G.
Other names: c.1832A>G, p.Asn611Ser (NM_001166109.2); c.1517A>G, p.Asn506Ser (NM_001166110.2); c.857A>G, p.Asn286Ser (NM_001367567.1, NM_001367569.1); c.908A>G, p.Asn303Ser (NM_001367568.1, NM_001367570.1); c.2978A>G, p.Asn993Ser (NM_016081.4); short protein forms N1010S, N286S, N303S, N506S, N611S, N993S.
Identifiers: ClinVar variation 4861523 (VCV004861523.1).

ClinVar aggregate classification (germline): Uncertain significance (1 of 4 stars; one submission).

gnomAD v4.1: 3 of 1,611,542 alleles (0.00019%); highest among the groups gnomAD compares: Non-Finnish European, 0.00025%; no homozygotes.

Submission:

Ambry Genetics
Classification: Uncertain significance. Last evaluated: 2026-03-17. Review status: criteria provided, single submitter. Criteria: Ambry Variant Classification Scheme 2023. Collection method: clinical testing. Allele origin: germline.
Comment: The p.N506S variant (also known as c.1517A>G), located in coding exon 8 of the PALLD gene, results from an A to G substitution at nucleotide position 1517. The asparagine at codon 506 is replaced by serine, an amino acid with highly similar properties. This amino acid position is conserved. In addition, this alteration is predicted to be tolerated by in silico analysis. Based on the available evidence, the clinical significance of this variant remains unclear.